The following is an entry in ClinVar:

NM_152564.5(VPS13B):c.11959G>C (p.Val3987Leu)

Gene: VPS13B (vacuolar protein sorting 13 homolog B; plus strand). Cytogenetic location: 8q22.2.
Variant type: single nucleotide variant.
Coding change: c.11959G>C on transcript NM_152564.5 (MANE Select); coding-DNA position 11959, G replaced by C.
Protein change: p.Val3987Leu; replaces valine 3987 with leucine.
Molecular consequence: missense variant.
Genome position (GRCh38, 1-based): chr8:99,875,631, G>C. VCF-style: chr8-99875631-G-C. GRCh37 (hg19) VCF-style: chr8-100887859-G-C.
Other names: c.12034G>C, p.Val4012Leu (NM_017890.5); short protein forms V3987L, V4012L.
Identifiers: ClinVar variation 1355563 (VCV001355563.8), dbSNP rs760214378, ClinGen allele CA4825381.

ClinVar aggregate classification (germline): Uncertain significance (1 of 4 stars; one submission).

Conditions:
Cohen syndrome (COH1). Also called: PEPPER SYNDROME; Cutis verticis gyrata, retinitis pigmentosa, and sensorineural deafness. Identifiers: Orphanet 193, MedGen C0265223, MONDO:0008999, OMIM 216550.

Allele frequency attached by ClinVar (database versions not stated): gnomAD exomes below 0.00001; ExAC 0.00001.
gnomAD v4.1: 1 of 1,614,164 alleles (0.000062%); highest among the groups gnomAD compares: Non-Finnish European, 0.000085%; no homozygotes.

Submission:

Labcorp Genetics (formerly Invitae), Labcorp
Classification: Uncertain significance for Cohen syndrome. Last evaluated: 2024-04-16. Review status: criteria provided, single submitter. Criteria: Invitae Variant Classification Sherloc (09022015). Collection method: clinical testing. Allele origin: germline.
Comment: This sequence change replaces valine, which is neutral and non-polar, with leucine, which is neutral and non-polar, at codon 4012 of the VPS13B protein (p.Val4012Leu). This variant is present in population databases (rs760214378, gnomAD 0.0009%). This variant has not been reported in the literature in individuals affected with VPS13B-related conditions. ClinVar contains an entry for this variant (Variation ID: 1355563). Advanced modeling of protein sequence and biophysical properties (such as structural, functional, and spatial information, amino acid conservation, physicochemical variation, residue mobility, and thermodynamic stability) has been performed at Invitae for this missense variant, however the output from this modeling did not meet the statistical confidence thresholds required to predict the impact of this variant on VPS13B protein function. In summary, the available evidence is currently insufficient to determine the role of this variant in disease. Therefore, it has been classified as a Variant of Uncertain Significance.